The following is an entry in ClinVar:

ClinVar aggregate classification (germline): Likely pathogenic (1 of 4 stars; one submission).

Conditions:
Spondyloepiphyseal dysplasia congenita (SEDC). Also called: SED CONGENITA; SPONDYLOEPIPHYSEAL DYSPLASIA, CONGENITAL TYPE. Identifiers: Orphanet 94068, MedGen C2745959, MONDO:0008471, OMIM 183900.

Submission:

Laboratory of Inherited Metabolic Diseases, Research centre for medical genetics
Classification: Likely pathogenic for Spondyloepiphyseal dysplasia congenita. Last evaluated: 2021-12-04. Review status: criteria provided, single submitter. Criteria: ACMG Guidelines, 2015. Collection method: clinical testing. Allele origin: de novo. Inheritance: Autosomal dominant inheritance. Affected: yes.
Comment: We decided to re-evaluate clinical significance of the variant. Clinical phenotype of the patient is highly specific to the type 2 collagenopathies group of diseases. However, this variant localized in C-propeptide domain. Various predictive programs put a criterion PM1, believing that this is a well-studied domain. However, studies published to date indicate that further research is required, because pathogenic variants in this domain occur much less frequently than in the triple helix domain. Therefore, we removed the criteria PM1 and PP2, due to insufficient knowledge of this domain. Our updated criteria: PM2, PP1, PP3, PP4 according to ACMG it is interpreted like "Uncertain Significance"

NM_001844.5(COL2A1):c.3897G>T (p.Trp1299Cys)

Gene: COL2A1 (collagen type II alpha 1 chain; minus strand). Cytogenetic location: 12q13.11.
Variant type: single nucleotide variant.
Coding change: c.3897G>T on transcript NM_001844.5 (MANE Select); coding-DNA position 3897, G replaced by T.
Protein change: p.Trp1299Cys; replaces tryptophan 1299 with cysteine.
Molecular consequence: missense variant.
Genome position (GRCh38, 1-based): chr12:47,974,852, C>A on the plus strand (G>T on the coding strand, the complement: COL2A1 is on the minus strand). VCF-style: chr12-47974852-C-A. GRCh37 (hg19) VCF-style: chr12-48368635-C-A.
Other names: c.3690G>T, p.Trp1230Cys (NM_033150.3); short protein forms W1230C, W1299C.
Identifiers: ClinVar variation 1326884 (VCV001326884.2), dbSNP rs2136508895, ClinGen allele CA384536177.